The following is an entry in ClinVar:

NM_001378969.1(KCND3):c.1043C>T (p.Ala348Val)

Gene: KCND3 (potassium voltage-gated channel subfamily D member 3; minus strand). Cytogenetic location: 1p13.2.
Variant type: single nucleotide variant.
Coding change: c.1043C>T on transcript NM_001378969.1 (MANE Select); coding-DNA position 1043, C replaced by T.
Protein change: p.Ala348Val; replaces alanine 348 with valine.
Molecular consequence: missense variant.
Genome position (GRCh38, 1-based): chr1:111,981,684, G>A on the plus strand (C>T on the coding strand, the complement: KCND3 is on the minus strand). VCF-style: chr1-111981684-G-A. GRCh37 (hg19) VCF-style: chr1-112524306-G-A.
Other names: c.1043C>T, p.Ala348Val (NM_001378970.1, NM_004980.5, NM_172198.3); short protein forms A348V.
Identifiers: ClinVar variation 4614327 (VCV004614327.2).

ClinVar aggregate classification (germline): Uncertain significance. Review status: criteria provided, multiple submitters, no conflicts (2 of 4 stars). 2 submissions from 2 submitters: Uncertain significance (2). Last evaluated 2025-09-17.

Conditions:
Cardiovascular phenotype. Identifiers: MedGen CN230736.

Submissions (2):

Ambry Genetics
Classification: Uncertain significance for Cardiovascular phenotype. Last evaluated: 2025-09-17. Review status: criteria provided, single submitter. Criteria: Ambry Variant Classification Scheme 2023. Collection method: clinical testing. Allele origin: germline.
Comment: The p.A348V variant (also known as c.1043C>T), located in coding exon 1 of the KCND3 gene, results from a C to T substitution at nucleotide position 1043. The alanine at codon 348 is replaced by valine, an amino acid with similar properties. This amino acid position is conserved. In addition, the in silico prediction for this alteration is inconclusive. Based on the available evidence, the clinical significance of this variant remains unclear.

GeneDx
Classification: Uncertain significance. Last evaluated: 2025-07-14. Review status: criteria provided, single submitter. Criteria: GeneDx Variant Classification Process June 2021. Collection method: clinical testing. Allele origin: germline. Affected: yes.
Comment: Not observed at significant frequency in large population cohorts (gnomAD); In silico analysis suggests that this missense variant does not alter protein structure/function; Has not been previously published as pathogenic or benign to our knowledge